The following is an entry in ClinVar:

NM_001042492.3(NF1):c.1484C>T (p.Ser495Phe)

Gene: NF1 (neurofibromin 1; plus strand). Cytogenetic location: 17q11.2.
Variant type: single nucleotide variant.
Coding change: c.1484C>T on transcript NM_001042492.3 (MANE Select); coding-DNA position 1484, C replaced by T.
Protein change: p.Ser495Phe; replaces serine 495 with phenylalanine.
Molecular consequence: missense variant.
Genome position (GRCh38, 1-based): chr17:31,214,542, C>T. VCF-style: chr17-31214542-C-T. GRCh37 (hg19) VCF-style: chr17-29541560-C-T.
Other names: c.1484C>T, p.Ser495Phe (NM_000267.4, NM_001128147.3); short protein forms S495F.
Identifiers: ClinVar variation 4860864 (VCV004860864.1).

ClinVar aggregate classification (germline): Uncertain significance (1 of 4 stars; one submission).

Conditions:
Cardiovascular phenotype. Identifiers: MedGen CN230736.
Hereditary cancer-predisposing syndrome. Also called: Neoplastic Syndromes, Hereditary; Tumor predisposition; Hereditary Cancer Syndrome; Hereditary neoplastic syndrome. Identifiers: Orphanet 140162, MedGen C0027672, MeSH D009386, MONDO:0015356.

Submission:

Ambry Genetics
Classification: Uncertain significance for Cardiovascular phenotype; Hereditary cancer-predisposing syndrome. Last evaluated: 2026-03-17. Review status: criteria provided, single submitter. Criteria: Ambry Variant Classification Scheme 2023. Collection method: clinical testing. Allele origin: germline.
Comment: The p.S495F variant (also known as c.1484C>T), located in coding exon 13 of the NF1 gene, results from a C to T substitution at nucleotide position 1484. The serine at codon 495 is replaced by phenylalanine, an amino acid with highly dissimilar properties. This amino acid position is well conserved in available vertebrate species. In addition, the in silico prediction for this alteration is inconclusive. Based on the available evidence, the clinical significance of this variant remains unclear.